The following is an entry in ClinVar:

ClinVar aggregate classification (germline): Uncertain significance (1 of 4 stars; one submission).

Conditions:
Congenital contractural arachnodactyly (CCA). Also called: Beals-Hecht syndrome; Arthrogryposis, distal, type 9; BEALS SYNDROME. Identifiers: Orphanet 115, MedGen C0220668, MONDO:0007363, OMIM 121050.

gnomAD v4.1: 19 of 1,613,844 alleles (0.0012%); highest among the groups gnomAD compares: Non-Finnish European, 0.0016%; no homozygotes.

Submission:

Labcorp Genetics (formerly Invitae), Labcorp
Classification: Uncertain significance for Congenital contractural arachnodactyly. Last evaluated: 2025-11-13. Review status: criteria provided, single submitter. Criteria: Invitae Variant Classification Sherloc (09022015). Collection method: clinical testing. Allele origin: germline.
Comment: This sequence change falls in intron 20 of the FBN2 gene. It does not directly change the encoded amino acid sequence of the FBN2 protein. It affects a nucleotide within the consensus splice site. This variant is not present in population databases (gnomAD no frequency). This variant has not been reported in the literature in individuals affected with FBN2-related conditions. ClinVar contains an entry for this variant (Variation ID: 1468776). Variants that disrupt the consensus splice site are a relatively common cause of aberrant splicing (PMID: 17576681, 9536098). Algorithms developed to predict the effect of sequence changes on RNA splicing suggest that this variant is not likely to affect RNA splicing. In summary, the available evidence is currently insufficient to determine the role of this variant in disease. Therefore, it has been classified as a Variant of Uncertain Significance.

Literature cited by the submitters: PubMed 17576681; PubMed 9536098.

NM_001999.4(FBN2):c.2674+6A>T

Gene: FBN2 (fibrillin 2; minus strand). Cytogenetic location: 5q23.3.
Variant type: single nucleotide variant.
Coding change: c.2674+6A>T on transcript NM_001999.4 (MANE Select); 6 bases into the intron after coding-DNA position 2674, A replaced by T.
Molecular consequence: intron variant.
Genome position (GRCh38, 1-based): chr5:128,357,270, T>A on the plus strand (A>T on the coding strand, the complement: FBN2 is on the minus strand). VCF-style: chr5-128357270-T-A. GRCh37 (hg19) VCF-style: chr5-127692962-T-A.
Identifiers: ClinVar variation 1468776 (VCV001468776.6), dbSNP rs1381952326, ClinGen allele CA2573139024.